The following is an entry in ClinVar:

NM_000282.4(PCCA):c.1546A>G (p.Met516Val)

Gene: PCCA (propionyl-CoA carboxylase subunit alpha; plus strand). Cytogenetic location: 13q32.3.
Variant type: single nucleotide variant.
Coding change: c.1546A>G on transcript NM_000282.4 (MANE Select); coding-DNA position 1546, A replaced by G.
Protein change: p.Met516Val; replaces methionine 516 with valine.
Molecular consequence: missense variant. On other transcripts: non-coding transcript variant (5).
Genome position (GRCh38, 1-based): chr13:100,340,162, A>G. VCF-style: chr13-100340162-A-G. GRCh37 (hg19) VCF-style: chr13-100992416-A-G.
Other names: c.1468A>G, p.Met490Val (NM_001127692.3, NM_001352607.2); c.1546A>G, p.Met516Val (NM_001178004.2, NM_001352605.2, NM_001352609.2); c.1402A>G, p.Met468Val (NM_001352606.2); c.1324A>G, p.Met442Val (NM_001352608.2); c.601A>G, p.Met201Val (NM_001352610.2, NM_001352611.2); c.457A>G, p.Met153Val (NM_001352612.2); short protein forms M442V, M490V, M153V, M516V, M468V, M201V.
Identifiers: ClinVar variation 2282635 (VCV002282635.4), dbSNP rs140011123, ClinGen allele CA7033718.

ClinVar aggregate classification (germline): Uncertain significance. Review status: criteria provided, multiple submitters, no conflicts (2 of 4 stars). 2 submissions from 2 submitters: Uncertain significance (2). Last evaluated 2024-02-25.

Conditions:
Propionic acidemia (PROP). Also called: GLYCINEMIA, KETOTIC; HYPERGLYCINEMIA WITH KETOACIDOSIS AND LEUKOPENIA; KETOTIC HYPERGLYCINEMIA. Identifiers: Orphanet 35, MedGen C0268579, MONDO:0011628, OMIM 606054, HP:0003571.
Inborn genetic diseases. Identifiers: MedGen C0950123, MeSH D030342.

Allele frequency attached by ClinVar (database versions not stated): ExAC 0.00001; gnomAD 0.00001; TOPMed 0.00001; gnomAD exomes 0.00004; ESP Exome Variant Server 0.00008.
gnomAD v4.1: 57 of 1,569,582 alleles (0.0036%); highest among the groups gnomAD compares: Non-Finnish European, 0.0047%; no homozygotes.

Submissions (2):

Labcorp Genetics (formerly Invitae), Labcorp
Classification: Uncertain significance for Propionic acidemia. Last evaluated: 2024-02-25. Review status: criteria provided, single submitter. Criteria: Invitae Variant Classification Sherloc (09022015). Collection method: clinical testing. Allele origin: germline.
Comment: This sequence change replaces methionine, which is neutral and non-polar, with valine, which is neutral and non-polar, at codon 516 of the PCCA protein (p.Met516Val). This variant is present in population databases (rs140011123, gnomAD 0.007%). This variant has not been reported in the literature in individuals affected with PCCA-related conditions. ClinVar contains an entry for this variant (Variation ID: 2282635). Advanced modeling of protein sequence and biophysical properties (such as structural, functional, and spatial information, amino acid conservation, physicochemical variation, residue mobility, and thermodynamic stability) performed at Invitae indicates that this missense variant is not expected to disrupt PCCA protein function with a negative predictive value of 95%. In summary, the available evidence is currently insufficient to determine the role of this variant in disease. Therefore, it has been classified as a Variant of Uncertain Significance.

Ambry Genetics
Classification: Uncertain significance for Inborn genetic diseases. Last evaluated: 2022-04-08. Review status: criteria provided, single submitter. Criteria: Ambry Variant Classification Scheme 2023. Collection method: clinical testing. Allele origin: germline.